The following is an entry in ClinVar:

NM_000051.4(ATM):c.5352C>A (p.Asn1784Lys)

Gene: ATM (ATM serine/threonine kinase; plus strand). Cytogenetic location: 11q22.3.
Variant type: single nucleotide variant.
Coding change: c.5352C>A on transcript NM_000051.4 (MANE Select); coding-DNA position 5352, C replaced by A.
Protein change: p.Asn1784Lys; replaces asparagine 1784 with lysine.
Molecular consequence: missense variant.
Genome position (GRCh38, 1-based): chr11:108,302,885, C>A. VCF-style: chr11-108302885-C-A. GRCh37 (hg19) VCF-style: chr11-108173612-C-A.
Other names: c.5352C>A, p.Asn1784Lys (NM_001351834.2); short protein forms N1784K.
Identifiers: ClinVar variation 3663260 (VCV003663260.2).

ClinVar aggregate classification (germline): Uncertain significance (1 of 4 stars; one submission).

Conditions:
Ataxia-telangiectasia syndrome (AT). Also called: LOUIS-BAR SYNDROME; Cerebello-oculocutaneous telangiectasia; Immunodeficiency with ataxia telangiectasia; ATAXIA-TELANGIECTASIA, COMPLEMENTATION GROUP A; ATAXIA-TELANGIECTASIA, FRESNO VARIANT; Ataxia-telangiectasia, complementation group D. Identifiers: Orphanet 100, MedGen C0004135, MONDO:0008840, OMIM 208900.

Submission:

Labcorp Genetics (formerly Invitae), Labcorp
Classification: Uncertain significance for Ataxia-telangiectasia syndrome. Last evaluated: 2024-08-22. Review status: criteria provided, single submitter. Criteria: Invitae Variant Classification Sherloc (09022015). Collection method: clinical testing. Allele origin: germline.
Comment: This sequence change replaces asparagine, which is neutral and polar, with lysine, which is basic and polar, at codon 1784 of the ATM protein (p.Asn1784Lys). This variant is not present in population databases (gnomAD no frequency). This variant has not been reported in the literature in individuals affected with ATM-related conditions. An algorithm developed to predict the effect of missense changes on protein structure and function (PolyPhen-2) suggests that this variant is likely to be tolerated. In summary, the available evidence is currently insufficient to determine the role of this variant in disease. Therefore, it has been classified as a Variant of Uncertain Significance.